The following is an entry in ClinVar:

NM_198576.4(AGRN):c.4166G>A (p.Arg1389His)

Gene: AGRN (agrin; plus strand). Cytogenetic location: 1p36.33.
Variant type: single nucleotide variant.
Coding change: c.4166G>A on transcript NM_198576.4 (MANE Select); coding-DNA position 4166, G replaced by A.
Protein change: p.Arg1389His; replaces arginine 1389 with histidine.
Molecular consequence: missense variant.
Genome position (GRCh38, 1-based): chr1:1,048,927, G>A. VCF-style: chr1-1048927-G-A. GRCh37 (hg19) VCF-style: chr1-984307-G-A.
Other names: c.4166G>A, p.Arg1389His (NM_001305275.2); c.3851G>A, p.Arg1284His (NM_001364727.2); short protein forms R1389H, R1284H.
Identifiers: ClinVar variation 2061027 (VCV002061027.2), dbSNP rs763237870, ClinGen allele CA509343.
Genomic context (GRCh38, chr1:1,048,927, plus strand): 5'-TGCTTGGCGCCCCTGTGCCGGCCTTCGAGGGCCGCTCCTTCCTGGCCTTCCCCACTCTCC[G>A]CGCCTACCACACGCTGCGCCTGGCACTGGAATTCCGGGCGCTGGAGCCTCAGGGGCTGCT-3'
Protein context (NP_940978.2, residues 1379-1399): GRSFLAFPTL[Arg1389His]AYHTLRLALE

ClinVar aggregate classification (germline): Uncertain significance (1 of 4 stars; one submission).

Conditions:
Congenital myasthenic syndrome 8. Also called: MYASTHENIC SYNDROME, CONGENITAL, DUE TO AGRIN DEFICIENCY; Myasthenic syndrome, congenital, 8, with pre- and postsynaptic defects. Identifiers: Orphanet 590, MedGen C3808739, MONDO:0014052, OMIM 615120.

Allele frequency attached by ClinVar (database versions not stated): TOPMed below 0.00001; ExAC 0.00004.
gnomAD v4.1: 3 of 1,561,298 alleles (0.00019%); highest among the groups gnomAD compares: Non-Finnish European, 0.00026%; no homozygotes.

Submission:

Labcorp Genetics (formerly Invitae), Labcorp
Classification: Uncertain significance for Congenital myasthenic syndrome 8. Last evaluated: 2022-02-20. Review status: criteria provided, single submitter. Criteria: Invitae Variant Classification Sherloc (09022015). Collection method: clinical testing. Allele origin: germline.
Comment: In summary, the available evidence is currently insufficient to determine the role of this variant in disease. Therefore, it has been classified as a Variant of Uncertain Significance. Algorithms developed to predict the effect of missense changes on protein structure and function are either unavailable or do not agree on the potential impact of this missense change (SIFT: "Deleterious"; PolyPhen-2: "Probably Damaging"; Align-GVGD: "Class C0"). This variant has not been reported in the literature in individuals affected with AGRN-related conditions. This variant is not present in population databases (gnomAD no frequency). This sequence change replaces arginine, which is basic and polar, with histidine, which is basic and polar, at codon 1389 of the AGRN protein (p.Arg1389His).